The following is an entry in ClinVar:

ClinVar aggregate classification (germline): Benign/Likely benign. Review status: criteria provided, multiple submitters, no conflicts (2 of 4 stars). 4 submissions from 4 submitters: Benign (2); Likely benign (2). Last evaluated 2026-06-01.

Allele frequency attached by ClinVar (database versions not stated): 1000 Genomes Project 30x 0.00016; gnomAD 0.00086 and 0.00090; ExAC 0.00087; TOPMed 0.00088; gnomAD exomes 0.00092 and 0.00164; ESP Exome Variant Server 0.00127.
gnomAD v4.1: 2,508 of 1,613,994 alleles (0.16%); highest among the groups gnomAD compares: Non-Finnish European, 0.2%; 3 homozygotes.

Submissions (4):

CeGaT Center for Human Genetics Tuebingen
Classification: Likely benign. Last evaluated: 2026-06-01. Review status: criteria provided, single submitter. Criteria: CeGaT Center For Human Genetics Tuebingen Variant Classification Criteria Version 2. Collection method: clinical testing. Allele origin: germline. Affected: yes. Observed: 5 variant alleles.
Comment: COL18A1: BP4, BP7

Labcorp Genetics (formerly Invitae), Labcorp
Classification: Benign. Last evaluated: 2026-01-04. Review status: criteria provided, single submitter. Criteria: Invitae Variant Classification Sherloc (09022015). Collection method: clinical testing. Allele origin: germline.

Blueprint Genetics
Classification: Likely benign. Last evaluated: 2024-11-06. Review status: criteria provided, single submitter. Criteria: ACMG Guidelines, 2015. Collection method: clinical testing. Allele origin: germline.

Breakthrough Genomics
Classification: Benign. Review status: criteria provided, single submitter. Criteria: ACMG Guidelines, 2015. Collection method: not provided. Allele origin: germline. Inheritance: Autosomal recessive inheritance. Affected: yes.

NM_001379500.1(COL18A1):c.107-12541A>G

Gene: COL18A1 (collagen type XVIII alpha 1 chain; plus strand). Cytogenetic location: 21q22.3.
Variant type: single nucleotide variant.
Coding change: c.107-12541A>G on transcript NM_001379500.1 (MANE Select); 12541 bases into the intron before coding-DNA position 107, A replaced by G.
Molecular consequence: intron variant. On other transcripts: synonymous variant (2).
Genome position (GRCh38, 1-based): chr21:45,455,701, A>G. VCF-style: chr21-45455701-A-G. GRCh37 (hg19) VCF-style: chr21-46875615-A-G.
Other names: c.171A>G, p.Thr57= (NM_030582.4, NM_130444.3).
Identifiers: ClinVar variation 1166528 (VCV001166528.35), dbSNP rs200354859, ClinGen allele CA10065401.